The following is an entry in ClinVar:

ClinVar aggregate classification (germline): Uncertain significance (1 of 4 stars; one submission).

Submission:

GeneDx
Classification: Uncertain significance. Last evaluated: 2025-03-10. Review status: criteria provided, single submitter. Criteria: GeneDx Variant Classification Process June 2021. Collection method: clinical testing. Allele origin: germline. Affected: yes.
Comment: Not observed at significant frequency in large population cohorts (gnomAD); In silico analysis supports that this missense variant has a deleterious effect on protein structure/function; Has not been previously published as pathogenic or benign to our knowledge

NM_001375405.1(CEP120):c.2488C>T (p.Leu830Phe)

Gene: CEP120 (centrosomal protein 120; minus strand). Cytogenetic location: 5q23.2.
Variant type: single nucleotide variant.
Coding change: c.2488C>T on transcript NM_001375405.1 (MANE Select); coding-DNA position 2488, C replaced by T.
Protein change: p.Leu830Phe; replaces leucine 830 with phenylalanine.
Molecular consequence: missense variant. On other transcripts: non-coding transcript variant (1).
Genome position (GRCh38, 1-based): chr5:123,364,588, G>A on the plus strand (C>T on the coding strand, the complement: CEP120 is on the minus strand). VCF-style: chr5-123364588-G-A. GRCh37 (hg19) VCF-style: chr5-122700282-G-A.
Other names: c.2410C>T, p.Leu804Phe (NM_001166226.2); c.2353C>T, p.Leu785Phe (NM_001375406.1); c.2488C>T, p.Leu830Phe (NM_001375407.1, NM_153223.4); c.1915C>T, p.Leu639Phe (NM_001375408.1, NM_001375409.1); short protein forms L639F, L785F, L804F, L830F.
Identifiers: ClinVar variation 4083224 (VCV004083224.1).